The following is an entry in ClinVar:

NM_004204.5(PIGQ):c.942+1G>C

Gene: PIGQ (phosphatidylinositol glycan anchor biosynthesis class Q; plus strand). Cytogenetic location: 16p13.3.
Variant type: single nucleotide variant.
Coding change: c.942+1G>C on transcript NM_004204.5 (MANE Select); the canonical splice donor site of the intron after coding-DNA position 942, G replaced by C.
Molecular consequence: splice donor variant.
Genome position (GRCh38, 1-based): chr16:576,255, G>C. VCF-style: chr16-576255-G-C. GRCh37 (hg19) VCF-style: chr16-626255-G-C.
Other names: c.942+1G>C (NM_148920.4).
Identifiers: ClinVar variation 1457615 (VCV001457615.7), dbSNP rs200661329, ClinGen allele CA276483351.
Genomic context (GRCh38, chr16:576,255, plus strand): 5'-TGGCTCCACGGGAGAAGCCGCATCGGGCATCTGGCCGACGCCCTCGTTCCTGTGGCTGAC[G>C]TGAGTGGACTGGGGTGGAGCCCGGTGTCCCGGGTGGGCGTGGGGACCCCTCCTGGGCAGC-3'

ClinVar aggregate classification (germline): Pathogenic. Review status: criteria provided, multiple submitters, no conflicts (2 of 4 stars). 2 submissions from 2 submitters: Pathogenic (2). Last evaluated 2025-04-06.

Conditions:
Epilepsy. Also called: Seizure disorder. Identifiers: MedGen C0014544, MeSH D004827, MONDO:0005027.

gnomAD v4.1: 8 of 1,555,274 alleles (0.00051%); highest among the groups gnomAD compares: African/African-American, 0.0095%; no homozygotes.

Submissions (2):

GeneDx
Classification: Pathogenic. Last evaluated: 2025-04-06. Review status: criteria provided, single submitter. Criteria: GeneDx Variant Classification Process June 2021. Collection method: clinical testing. Allele origin: germline. Affected: yes.
Comment: Canonical splice site variant predicted to result in a null allele in a gene for which loss of function is a known mechanism of disease; Not observed at significant frequency in large population cohorts (gnomAD); Has not been previously published as pathogenic or benign to our knowledge; This variant is associated with the following publications: (PMID: 16199547, 25558065, 24463883, 32588908)

Labcorp Genetics (formerly Invitae), Labcorp
Classification: Pathogenic for Epilepsy. Last evaluated: 2024-12-02. Review status: criteria provided, single submitter. Criteria: Invitae Variant Classification Sherloc (09022015). Collection method: clinical testing. Allele origin: germline.
Comment: This sequence change affects a donor splice site in intron 4 of the PIGQ gene. It is expected to disrupt RNA splicing. Variants that disrupt the donor or acceptor splice site typically lead to a loss of protein function (PMID: 16199547), and loss-of-function variants in PIGQ are known to be pathogenic (PMID: 24463883, 25558065). This variant is present in population databases (no rsID available, gnomAD 0.006%). Disruption of this splice site has been observed in individual(s) with PIGQ-related conditions (PMID: 32588908). In at least one individual the data is consistent with being in trans (on the opposite chromosome) from a pathogenic variant. ClinVar contains an entry for this variant (Variation ID: 1457615). Algorithms developed to predict the effect of sequence changes on RNA splicing suggest that this variant may disrupt the consensus splice site. For these reasons, this variant has been classified as Pathogenic.

Literature cited by the submitters: PubMed 16199547 (cited by Labcorp Genetics (formerly Invitae), Labcorp); PubMed 24463883 (cited by Labcorp Genetics (formerly Invitae), Labcorp); PubMed 25558065 (cited by Labcorp Genetics (formerly Invitae), Labcorp); PubMed 32588908 (cited by Labcorp Genetics (formerly Invitae), Labcorp).